The following is an entry in ClinVar:

NM_001983.4(ERCC1):c.155C>T (p.Ser52Leu)

Gene: ERCC1 (ERCC excision repair 1, endonuclease non-catalytic subunit; minus strand). Cytogenetic location: 19q13.32.
Variant type: single nucleotide variant.
Coding change: c.155C>T on transcript NM_001983.4 (MANE Select); coding-DNA position 155, C replaced by T.
Protein change: p.Ser52Leu; replaces serine 52 with leucine.
Molecular consequence: missense variant.
Genome position (GRCh38, 1-based): chr19:45,421,344, G>A on the plus strand (C>T on the coding strand, the complement: ERCC1 is on the minus strand). VCF-style: chr19-45421344-G-A. GRCh37 (hg19) VCF-style: chr19-45924602-G-A.
Other names: c.155C>T, p.Ser52Leu (NM_001166049.2, NM_001369408.1, NM_001369409.1 and 11 more transcripts); short protein forms S52L.
Identifiers: ClinVar variation 2193121 (VCV002193121.4), dbSNP rs149666093, ClinGen allele CA9515548.
Genomic context (GRCh38, chr19:45,421,344, plus strand): 5'-GCCCCTTCCAGAGGCTGTGAGATGGCATATTCGGCGTAGGTCTGAGGGGCCGCCTGGGCC[G>A]AGGTGTCCACAGTGGGAAGGCTCTGTGTAGATCGGAATAAGGGCTTGGCCTGTGGGGAGA-3'
Protein context (NP_001974.1, residues 42-62): STQSLPTVDT[Ser52Leu]AQAAPQTYAE

ClinVar aggregate classification (germline): Uncertain significance (1 of 4 stars; one submission).

Allele frequency attached by ClinVar (database versions not stated): ExAC 0.00001; gnomAD 0.00003; TOPMed 0.00003; ESP Exome Variant Server 0.00015.
gnomAD v4.1: 11 of 1,613,852 alleles (0.00068%); highest among the groups gnomAD compares: African/African-American, 0.008%; no homozygotes.

Submission:

Labcorp Genetics (formerly Invitae), Labcorp
Classification: Uncertain significance. Last evaluated: 2025-09-02. Review status: criteria provided, single submitter. Criteria: Invitae Variant Classification Sherloc (09022015). Collection method: clinical testing. Allele origin: germline.
Comment: This sequence change replaces serine, which is neutral and polar, with leucine, which is neutral and non-polar, at codon 52 of the ERCC1 protein (p.Ser52Leu). This variant is present in population databases (rs149666093, gnomAD 0.008%). This variant has not been reported in the literature in individuals affected with ERCC1-related conditions. ClinVar contains an entry for this variant (Variation ID: 2193121). An algorithm developed to predict the effect of missense changes on protein structure and function outputs the following: PolyPhen-2: "Benign". The leucine amino acid residue is found in multiple mammalian species, which suggests that this missense change does not adversely affect protein function. In summary, the available evidence is currently insufficient to determine the role of this variant in disease. Therefore, it has been classified as a Variant of Uncertain Significance.